The following is an entry in ClinVar:

ClinVar aggregate classification (germline): Uncertain significance (1 of 4 stars; one submission).

Conditions:
Imerslund-Grasbeck syndrome. Also called: Megaloblastic anemia due to inborn errors of metabolism; Imerslund-Gräsbeck syndrome; ENTEROCYTE COBALAMIN MALABSORPTION; ENTEROCYTE INTRINSIC FACTOR RECEPTOR, DEFECT OF; PERNICIOUS ANEMIA, JUVENILE, DUE TO SELECTIVE INTESTINAL MALABSORPTION OF VITAMIN B12, WITH PROTEINURIA. Identifiers: Orphanet 35858, MedGen C4551825, MONDO:0009853.

Submission:

Labcorp Genetics (formerly Invitae), Labcorp
Classification: Uncertain significance for Imerslund-Grasbeck syndrome. Last evaluated: 2025-03-03. Review status: criteria provided, single submitter. Criteria: Invitae Variant Classification Sherloc (09022015). Collection method: clinical testing. Allele origin: germline.
Comment: This sequence change replaces phenylalanine, which is neutral and non-polar, with cysteine, which is neutral and slightly polar, at codon 832 of the CUBN protein (p.Phe832Cys). This variant is not present in population databases (gnomAD no frequency). This variant has not been reported in the literature in individuals affected with CUBN-related conditions. ClinVar contains an entry for this variant (Variation ID: 1912659). Invitae Evidence Modeling of protein sequence and biophysical properties (such as structural, functional, and spatial information, amino acid conservation, physicochemical variation, residue mobility, and thermodynamic stability) indicates that this missense variant is not expected to disrupt CUBN protein function with a negative predictive value of 80%. In summary, the available evidence is currently insufficient to determine the role of this variant in disease. Therefore, it has been classified as a Variant of Uncertain Significance.

NM_001081.4(CUBN):c.2495T>G (p.Phe832Cys)

Gene: CUBN (cubilin; minus strand). Cytogenetic location: 10p13.
Variant type: single nucleotide variant.
Coding change: c.2495T>G on transcript NM_001081.4 (MANE Select); coding-DNA position 2495, T replaced by G.
Protein change: p.Phe832Cys; replaces phenylalanine 832 with cysteine.
Molecular consequence: missense variant.
Genome position (GRCh38, 1-based): chr10:17,071,556, A>C on the plus strand (T>G on the coding strand, the complement: CUBN is on the minus strand). VCF-style: chr10-17071556-A-C. GRCh37 (hg19) VCF-style: chr10-17113555-A-C.
Other names: short protein forms F832C.
Identifiers: ClinVar variation 1912659 (VCV001912659.5), dbSNP rs2491987375, ClinGen allele CA376159311.